The following is an entry in ClinVar:

NM_004174.4(SLC9A3):c.454G>A (p.Val152Met)

Gene: SLC9A3 (solute carrier family 9 member A3). Cytogenetic location: 5p15.33.
Variant type: single nucleotide variant.
Coding change: c.454G>A on transcript NM_004174.4 (MANE Select); coding-DNA position 454, G replaced by A.
Protein change: p.Val152Met; replaces valine 152 with methionine.
Molecular consequence: missense variant.
Genome position (GRCh38, 1-based): chr5:491,829, C>T on the plus strand (G>A on the coding strand, the complement: SLC9A3 is on the minus strand). VCF-style: chr5-491829-C-T. GRCh37 (hg19) VCF-style: chr5-491944-C-T.
Other names: c.454G>A, p.Val152Met (NM_001284351.3); c.454G>A (NM_004174.2); short protein forms V152M.
Identifiers: ClinVar variation 1420967 (VCV001420967.5), dbSNP rs760117543, ClinGen allele CA3176334.

ClinVar aggregate classification (germline): Uncertain significance. Review status: criteria provided, multiple submitters, no conflicts (2 of 4 stars). 3 submissions from 3 submitters: Uncertain significance (3). Last evaluated 2023-06-23.

Conditions:
Inborn genetic diseases. Identifiers: MedGen C0950123, MeSH D030342.

Allele frequency attached by ClinVar (database versions not stated): gnomAD 0.00003 and 0.00004; TOPMed 0.00007; ExAC 0.00020.
gnomAD v4.1: 90 of 1,596,814 alleles (0.0056%); highest among the groups gnomAD compares: South Asian, 0.033%; 1 homozygote.

Submissions (3):

Ambry Genetics
Classification: Uncertain significance for Inborn genetic diseases. Last evaluated: 2023-06-23. Review status: criteria provided, single submitter. Criteria: Ambry Variant Classification Scheme 2023. Collection method: clinical testing. Allele origin: germline.

Blueprint Genetics
Classification: Uncertain significance. Last evaluated: 2022-07-26. Review status: criteria provided, single submitter. Criteria: ACMG Guidelines, 2015. Collection method: clinical testing. Allele origin: germline.

Labcorp Genetics (formerly Invitae), Labcorp
Classification: Uncertain significance. Last evaluated: 2021-11-05. Review status: criteria provided, single submitter. Criteria: Invitae Variant Classification Sherloc (09022015). Collection method: clinical testing. Allele origin: germline.
Comment: This sequence change replaces valine, which is neutral and non-polar, with methionine, which is neutral and non-polar, at codon 152 of the SLC9A3 protein (p.Val152Met). This variant is present in population databases (rs760117543, gnomAD 0.07%). This variant has not been reported in the literature in individuals affected with SLC9A3-related conditions. Algorithms developed to predict the effect of missense changes on protein structure and function are either unavailable or do not agree on the potential impact of this missense change (SIFT: "Not Available"; PolyPhen-2: "Possibly Damaging"; Align-GVGD: "Not Available"). In summary, the available evidence is currently insufficient to determine the role of this variant in disease. Therefore, it has been classified as a Variant of Uncertain Significance.